The following is an entry in ClinVar:

ClinVar aggregate classification (germline): Uncertain significance (1 of 4 stars; one submission).

gnomAD v4.1: 5 of 1,614,162 alleles (0.00031%); highest among the groups gnomAD compares: Non-Finnish European, 0.00042%; no homozygotes.

Submission:

Labcorp Genetics (formerly Invitae), Labcorp
Classification: Uncertain significance. Last evaluated: 2025-01-22. Review status: criteria provided, single submitter. Criteria: Invitae Variant Classification Sherloc (09022015). Collection method: clinical testing. Allele origin: germline.
Comment: This sequence change replaces phenylalanine, which is neutral and non-polar, with leucine, which is neutral and non-polar, at codon 277 of the CPOX protein (p.Phe277Leu). This variant is not present in population databases (gnomAD no frequency). This variant has not been reported in the literature in individuals affected with CPOX-related conditions. Invitae Evidence Modeling of protein sequence and biophysical properties (such as structural, functional, and spatial information, amino acid conservation, physicochemical variation, residue mobility, and thermodynamic stability) indicates that this missense variant is expected to disrupt CPOX protein function with a positive predictive value of 80%. In summary, the available evidence is currently insufficient to determine the role of this variant in disease. Therefore, it has been classified as a Variant of Uncertain Significance.

NM_000097.7(CPOX):c.829T>C (p.Phe277Leu)

Gene: CPOX (coproporphyrinogen oxidase; minus strand). Cytogenetic location: 3q11.2.
Variant type: single nucleotide variant.
Coding change: c.829T>C on transcript NM_000097.7 (MANE Select); coding-DNA position 829, T replaced by C.
Protein change: p.Phe277Leu; replaces phenylalanine 277 with leucine.
Molecular consequence: missense variant.
Genome position (GRCh38, 1-based): chr3:98,588,837, A>G on the plus strand (T>C on the coding strand, the complement: CPOX is on the minus strand). VCF-style: chr3-98588837-A-G. GRCh37 (hg19) VCF-style: chr3-98307681-A-G.
Other names: short protein forms F277L.
Identifiers: ClinVar variation 3645582 (VCV003645582.2).
Genomic context (GRCh38, chr3:98,588,837, plus strand): 5'-GAAAATGGACAGCGTCTTCTTGATTCAAGTATGTTGGAGTGAGGTCACATCCACCACCAA[A>G]CCACCACTGCTTGTTGCCTACCAAATCAAGACATGGGATTCTAATGTGGACTTTTGAGAT-3'
Protein context (NP_000088.3, residues 267-287): EEADGNKQWW[Phe277Leu]GGGCDLTPTY